The following is an entry in ClinVar:

ClinVar aggregate classification (germline): Uncertain significance (1 of 4 stars; one submission).

Conditions:
Kabuki syndrome. Also called: Kabuki make-up syndrome; NIIKAWA-KUROKI SYNDROME. Identifiers: Orphanet 2322, MedGen C0796004, MONDO:0016512.

Submission:

Labcorp Genetics (formerly Invitae), Labcorp
Classification: Uncertain significance for Kabuki syndrome. Last evaluated: 2024-01-15. Review status: criteria provided, single submitter. Criteria: Invitae Variant Classification Sherloc (09022015). Collection method: clinical testing. Allele origin: germline.
Comment: This variant, c.11855_11863dup, results in the insertion of 3 amino acid(s) of the KMT2D protein (p.Gln3952_Gln3954dup), but otherwise preserves the integrity of the reading frame. This variant is not present in population databases (gnomAD no frequency). This variant has not been reported in the literature in individuals affected with KMT2D-related conditions. Experimental studies and prediction algorithms are not available or were not evaluated, and the functional significance of this variant is currently unknown. In summary, the available evidence is currently insufficient to determine the role of this variant in disease. Therefore, it has been classified as a Variant of Uncertain Significance.

NM_003482.4(KMT2D):c.11846AACAGCAGC[3] (p.Gln3952_Gln3954dup)

Gene: KMT2D (lysine methyltransferase 2D; minus strand). Cytogenetic location: 12q13.12.
Variant type: Microsatellite.
Coding change: c.11846AACAGCAGC[3] on transcript NM_003482.4 (MANE Select); three copies in a row of the 9-base unit AACAGCAGC starting at c.11846; the reference has two copies in a row; one copy, 9 bases duplicated.
Protein change: p.Gln3952_Gln3954dup.
Molecular consequence: inframe insertion.
Genome position (GRCh38, 1-based): chr12:49,032,842-49,032,850, GCTGCTGTT duplicated on the plus strand (AACAGCAGC on the coding strand, the reverse complement: KMT2D is on the minus strand); duplicating any 9 consecutive bases within chr12:49,032,842-49,032,860 gives the same sequence; the position shown is the placement nearest the transcript's 3' end. VCF-style (leftmost placement, unchanged base first): chr12-49032841-A-AGCTGCTGTT. GRCh37 (hg19) VCF-style: chr12-49426624-A-AGCTGCTGTT.
Identifiers: ClinVar variation 1419991 (VCV001419991.8), dbSNP rs765742357, ClinGen allele CA2575144332.